The following is an entry in ClinVar:

ClinVar aggregate classification (germline): Uncertain significance (1 of 4 stars; one submission).

Allele frequency attached by ClinVar (database versions not stated): gnomAD exomes 0.00001.
gnomAD v4.1: 10 of 1,612,786 alleles (0.00062%); highest among the groups gnomAD compares: South Asian, 0.0044%; no homozygotes.

Submission:

Labcorp Genetics (formerly Invitae), Labcorp
Classification: Uncertain significance. Last evaluated: 2022-12-07. Review status: criteria provided, single submitter. Criteria: Invitae Variant Classification Sherloc (09022015). Collection method: clinical testing. Allele origin: germline.
Comment: In summary, the available evidence is currently insufficient to determine the role of this variant in disease. Therefore, it has been classified as a Variant of Uncertain Significance. This variant is present in population databases (no rsID available, gnomAD 0.003%). This variant has not been reported in the literature in individuals affected with ATR-related conditions. Algorithms developed to predict the effect of missense changes on protein structure and function are either unavailable or do not agree on the potential impact of this missense change (SIFT: "Tolerated"; PolyPhen-2: "Probably Damaging"; Align-GVGD: "Class C15"). This sequence change replaces arginine, which is basic and polar, with cysteine, which is neutral and slightly polar, at codon 2217 of the ATR protein (p.Arg2217Cys).

NM_001184.4(ATR):c.6649C>T (p.Arg2217Cys)

Gene: ATR (ATR checkpoint kinase; minus strand). Cytogenetic location: 3q23.
Variant type: single nucleotide variant.
Coding change: c.6649C>T on transcript NM_001184.4 (MANE Select); coding-DNA position 6649, C replaced by T.
Protein change: p.Arg2217Cys; replaces arginine 2217 with cysteine.
Molecular consequence: missense variant.
Genome position (GRCh38, 1-based): chr3:142,467,972, G>A on the plus strand (C>T on the coding strand, the complement: ATR is on the minus strand). VCF-style: chr3-142467972-G-A. GRCh37 (hg19) VCF-style: chr3-142186814-G-A.
Other names: c.6457C>T, p.Arg2153Cys (NM_001354579.2); short protein forms R2153C, R2217C.
Identifiers: ClinVar variation 2075924 (VCV002075924.4), dbSNP rs1171389652, ClinGen allele CA354803405.